The following is an entry in ClinVar:

NM_012448.4(STAT5B):c.2300G>A (p.Arg767Gln)

Gene: STAT5B (signal transducer and activator of transcription 5B; minus strand). Cytogenetic location: 17q21.2.
Variant type: single nucleotide variant.
Coding change: c.2300G>A on transcript NM_012448.4 (MANE Select); coding-DNA position 2300, G replaced by A.
Protein change: p.Arg767Gln; replaces arginine 767 with glutamine.
Molecular consequence: missense variant.
Genome position (GRCh38, 1-based): chr17:42,201,802, C>T on the plus strand (G>A on the coding strand, the complement: STAT5B is on the minus strand). VCF-style: chr17-42201802-C-T. GRCh37 (hg19) VCF-style: chr17-40353820-C-T.
Other names: short protein forms R767Q.
Identifiers: ClinVar variation 4697609 (VCV004697609.1).

ClinVar aggregate classification (germline): Uncertain significance (1 of 4 stars; one submission).

Conditions:
Growth hormone insensitivity with immune dysregulation 1, autosomal recessive. Also called: GROWTH HORMONE INSENSITIVITY SYNDROME WITH IMMUNE DYSREGULATION 1, AUTOSOMAL RECESSIVE; Laron syndrome with immunodeficiency; GROWTH HORMONE INSENSITIVITY DUE TO POSTRECEPTOR DEFECT; LARON SYNDROME DUE TO POSTRECEPTOR DEFECT. Identifiers: Orphanet 220465, MedGen C5435698, MONDO:0100211, OMIM 245590.

gnomAD v4.1: 8 of 1,613,960 alleles (0.0005%); highest among the groups gnomAD compares: South Asian, 0.0022%; no homozygotes.

Submission:

Labcorp Genetics (formerly Invitae), Labcorp
Classification: Uncertain significance for Growth hormone insensitivity with immune dysregulation 1, autosomal recessive. Last evaluated: 2025-06-11. Review status: criteria provided, single submitter. Criteria: Invitae Variant Classification Sherloc (09022015). Collection method: clinical testing. Allele origin: germline.
Comment: This sequence change replaces arginine, which is basic and polar, with glutamine, which is neutral and polar, at codon 767 of the STAT5B protein (p.Arg767Gln). This variant is present in population databases (rs751214121, gnomAD 0.003%). This variant has not been reported in the literature in individuals affected with STAT5B-related conditions. An algorithm developed to predict the effect of missense changes on protein structure and function (PolyPhen-2) suggests that this variant is likely to be disruptive. In summary, the available evidence is currently insufficient to determine the role of this variant in disease. Therefore, it has been classified as a Variant of Uncertain Significance.